The following is an entry in ClinVar:

NM_001386135.1(AFF3):c.1308G>A (p.Ser436=)

Gene: AFF3 (ALF transcription elongation factor 3; minus strand). Cytogenetic location: 2q11.2.
Variant type: single nucleotide variant.
Coding change: c.1308G>A on transcript NM_001386135.1 (MANE Select); coding-DNA position 1308, G replaced by A.
Protein change: p.Ser436=; no amino-acid change (serine 436 retained).
Molecular consequence: synonymous variant.
Genome position (GRCh38, 1-based): chr2:99,601,498, C>T on the plus strand (G>A on the coding strand, the complement: AFF3 is on the minus strand). VCF-style: chr2-99601498-C-T. GRCh37 (hg19) VCF-style: chr2-100217960-C-T.
Other names: c.1308G>A (NM_002285.2); c.1383G>A, p.Ser461= (NM_001025108.2); c.1308G>A, p.Ser436= (NM_002285.3).
Identifiers: ClinVar variation 2651194 (VCV002651194.26), dbSNP rs202019958, ClinGen allele CA1801181.

ClinVar aggregate classification (germline): Likely benign. Review status: criteria provided, multiple submitters, no conflicts (2 of 4 stars). 3 submissions from 3 submitters: Likely benign (2). 1 of the submissions does not count toward it. Last evaluated 2024-10-08.

Conditions:
AFF3-related disorder. Also called: AFF3-related condition.

Allele frequency attached by ClinVar (database versions not stated): gnomAD 0.00005; 1000 Genomes Project 30x 0.00047; 1000 Genomes Project 0.00060.
gnomAD v4.1: 28 of 1,608,406 alleles (0.0017%); highest among the groups gnomAD compares: East Asian, 0.016%; no homozygotes.

Submissions (3):

Blueprint Genetics
Classification: Likely benign. Last evaluated: 2024-10-08. Review status: criteria provided, single submitter. Criteria: ACMG Guidelines, 2015. Collection method: clinical testing. Allele origin: germline.

CeGaT Center for Human Genetics Tuebingen
Classification: Likely benign. Last evaluated: 2023-02-01. Review status: criteria provided, single submitter. Criteria: CeGaT Center For Human Genetics Tuebingen Variant Classification Criteria Version 2. Collection method: clinical testing. Allele origin: germline. Affected: yes. Observed: 1 variant allele.
Comment: AFF3: BP4, BP7

PreventionGenetics, part of Exact Sciences
Classification: Likely benign for AFF3-related condition. Last evaluated: 2019-04-26. Review status: no assertion criteria provided. Collection method: clinical testing. Allele origin: germline. Not counted in ClinVar's aggregate classification.
Comment: This variant is classified as likely benign based on ACMG/AMP sequence variant interpretation guidelines (Richards et al. 2015 PMID: 25741868, with internal and published modifications).